The following is an entry in ClinVar:

NM_007194.4(CHEK2):c.1569_1582dup (p.Glu528fs)

Gene: CHEK2 (checkpoint kinase 2; minus strand). Cytogenetic location: 22q12.1.
Variant type: Duplication.
Coding change: c.1569_1582dup on transcript NM_007194.4 (MANE Select); coding-DNA positions 1569 to 1582, 14 bases duplicated (TGAAGGGGAAGCCG).
Protein change: p.Glu528fs; shifts the reading frame from glutamic acid 528.
Molecular consequence: frameshift variant.
Genome position (GRCh38, 1-based): chr22:28,687,947-28,687,960, CGGCTTCCCCTTCA duplicated on the plus strand (TGAAGGGGAAGCCG on the coding strand, the reverse complement: CHEK2 is on the minus strand); duplicating any 14 consecutive bases within chr22:28,687,947-28,687,963 gives the same sequence; the c. name uses the placement nearest the transcript's 3' end. VCF-style (leftmost placement, unchanged base first): chr22-28687946-T-TCGGCTTCCCCTTCA. GRCh37 (hg19) VCF-style: chr22-29083934-T-TCGGCTTCCCCTTCA.
Other names: c.1695_1708dup, p.Glu571Valfs (NM_001005735.3); c.903_916dup, p.Glu307Valfs (NM_001257387.3); c.1365_1378dup, p.Glu461Valfs (NM_001349956.3); c.1479_1492dup, p.Glu499Valfs (NM_145862.3); c.1569_1582dupTGAAGGGGAAGCCG (NM_007194.3); short protein forms E307fs, E528fs, E461fs, E499fs, E571fs.
Identifiers: ClinVar variation 1364869 (VCV001364869.5), dbSNP rs2145738171, ClinGen allele CA2573157922.
Genomic context (GRCh38, chr22:28,687,946, plus strand): 5'-AACCACGGAGTTCACAACACAGCAGCACACACAGCTGGGCGCTTTGTGGTCTCGGCACCC[T>TCGGCTTCCCCTTCA]CGGCTTCCCCTTCACGGGGCCGCTTTCGACTAGTAGAAGGCTGAAAATAAAGGAAAATGG-3'

ClinVar aggregate classification (germline): Uncertain significance. Review status: criteria provided, multiple submitters, no conflicts (2 of 4 stars). 2 submissions from 2 submitters: Uncertain significance (2). Last evaluated 2026-08-13.

Conditions:
Hereditary cancer-predisposing syndrome. Also called: Hereditary Cancer Syndrome; Neoplastic Syndromes, Hereditary; Hereditary neoplastic syndrome; Tumor predisposition. Identifiers: Orphanet 140162, MedGen C0027672, MeSH D009386, MONDO:0015356.
Familial cancer of breast. Also called: hereditary breast carcinoma; Hereditary breast cancer; BREAST CANCER, FAMILIAL. Identifiers: Orphanet 227535, MedGen C0346153, MONDO:0016419, OMIM 114480. Disease mechanism: loss of function.

Submissions (2):

Ambry Genetics
Classification: Uncertain significance for Hereditary cancer-predisposing syndrome. Last evaluated: 2026-08-13. Review status: criteria provided, single submitter. Criteria: Ambry Variant Classification Scheme 2023. Collection method: clinical testing. Allele origin: germline.
Comment: The c.1569_1582dup14 variant, located in coding exon 14 of the CHEK2 gene, results from a duplication of TGAAGGGGAAGCCG at nucleotide position 1569, causing a translational frameshift with a predicted alternate stop codon (p.E528Vfs*43). This variant occurs at the 3' terminus of the gene, is not expected to trigger nonsense-mediated mRNAdecay and results in the elongation of the protein by 26 amino acids. This frameshift impacts the last 2% of the native protein. The exact functional effect of the altered amino acids is unknown. Based on the available evidence, the clinical significance of this variant remains unclear.

Labcorp Genetics (formerly Invitae), Labcorp
Classification: Uncertain significance for Familial cancer of breast. Last evaluated: 2021-06-30. Review status: criteria provided, single submitter. Criteria: Invitae Variant Classification Sherloc (09022015). Collection method: clinical testing. Allele origin: germline.
Comment: This sequence change results in a frameshift in the CHEK2 gene (p.Glu528Valfs*43). While this is not anticipated to result in nonsense mediated decay, it is expected to disrupt the last 16 amino acid(s) of the CHEK2 protein and extend the protein by 26 additional amino acid residues. This variant is not present in population databases (ExAC no frequency). This variant has not been reported in the literature in individuals affected with CHEK2-related conditions. Experimental studies and prediction algorithms are not available or were not evaluated, and the functional significance of this variant is currently unknown. In summary, the available evidence is currently insufficient to determine the role of this variant in disease. Therefore, it has been classified as a Variant of Uncertain Significance.